The following is an entry in ClinVar:

NM_000059.4(BRCA2):c.473C>T (p.Ser158Leu)

Gene: BRCA2 (BRCA2 DNA repair associated; plus strand). Cytogenetic location: 13q13.1.
Variant type: single nucleotide variant.
Coding change: c.473C>T on transcript NM_000059.4 (MANE Select); coding-DNA position 473, C replaced by T.
Protein change: p.Ser158Leu; replaces serine 158 with leucine.
Molecular consequence: missense variant.
Genome position (GRCh38, 1-based): chr13:32,326,148, C>T. VCF-style: chr13-32326148-C-T. GRCh37 (hg19) VCF-style: chr13-32900285-C-T.
Other names: 701C>T; short protein forms S158L.
Identifiers: ClinVar variation 51706 (VCV000051706.26), dbSNP rs80358701, ClinGen allele CA020736.

ClinVar aggregate classification (germline): Conflicting classifications of pathogenicity. Review status: criteria provided, conflicting classifications (1 of 4 stars). 10 submissions from 10 submitters: Pathogenic (1); Likely pathogenic (4); Uncertain significance (3). 2 of the submissions do not count toward it. Last evaluated 2026-03-18.

Conditions:
Hereditary cancer-predisposing syndrome. Also called: Neoplastic Syndromes, Hereditary; Tumor predisposition; Hereditary Cancer Syndrome; Hereditary neoplastic syndrome. Identifiers: Orphanet 140162, MedGen C0027672, MeSH D009386, MONDO:0015356.
Hereditary breast ovarian cancer syndrome. Also called: Hereditary breast and/or ovarian cancer syndrome; Hereditary breast and ovarian cancer syndrome; Hereditary breast and ovarian cancer; Hereditary breast and ovarian cancer syndrome (HBOC); Breast and ovarian cancer; BRCA1- and BRCA2-Associated Hereditary Breast and Ovarian Cancer. Identifiers: Orphanet 145, MedGen C0677776, MeSH D061325, MONDO:0003582. Disease mechanism: loss of function.
Breast-ovarian cancer, familial, susceptibility to, 2 (BROVCA2). Also called: BRCA2 Hereditary Breast and Ovarian Cancer. Identifiers: Orphanet 145, MedGen C2675520, MONDO:0012933, OMIM 612555. Disease mechanism: loss of function.
Familial cancer of breast. Also called: Hereditary breast cancer; BREAST CANCER, FAMILIAL; hereditary breast carcinoma. Identifiers: Orphanet 227535, MedGen C0346153, MONDO:0016419, OMIM 114480. Disease mechanism: loss of function.

Submissions (10):

Women's Health and Genetics/Laboratory Corporation of America, LabCorp
Classification: Likely pathogenic for Hereditary breast ovarian cancer syndrome. Last evaluated: 2026-03-18. Review status: criteria provided, single submitter. Criteria: LabCorp Variant Classification Summary - May 2015. Collection method: clinical testing. Allele origin: germline.
Comment: Variant summary: BRCA2 c.473C>T (p.Ser158Leu) results in a non-conservative amino acid change in the encoded protein sequence. Algorithms developed to predict the effect of missense changes on protein structure and function are either unavailable or do not agree on the potential impact of this missense change. Several computational tools predict a significant impact on normal splicing: Three predict the variant weakens the canonical 5' donor site. One predicts the variant has no significant impact on splicing. At least two publications report experimental evidence that this variant affects mRNA splicing, resulting in the skipping of exon 5 (e.g. Sanz_2010, Sha_2025). The variant was absent in 251020 control chromosomes. c.473C>T has been observed in an individual with a family history of breast and/or ovarian cancer who underwent a prophylactic mastectomy (Hartmann_2011) and an individual affected with breast cancer who also had a positive family history of breast and/or ovarian cancer (Tung_2015). The following publications have been ascertained in the context of this evaluation (PMID: 11698567, 20215541, 39902189, 25186627). ClinVar contains an entry for this variant (Variation ID: 51706). Based on the evidence outlined above, the variant was classified as likely pathogenic.

Labcorp Genetics (formerly Invitae), Labcorp
Classification: Pathogenic for Hereditary breast ovarian cancer syndrome. Last evaluated: 2026-01-20. Review status: criteria provided, single submitter. Criteria: Invitae Variant Classification Sherloc (09022015). Collection method: clinical testing. Allele origin: germline.
Comment: This sequence change replaces serine, which is neutral and polar, with leucine, which is neutral and non-polar, at codon 158 of the BRCA2 protein (p.Ser158Leu). RNA analysis indicates that this missense change induces altered splicing and may result in an absent or altered protein product. This variant is not present in population databases (gnomAD no frequency). This missense change has been observed in individual(s) with a personal or family history of breast cancer (PMID: 11698567). ClinVar contains an entry for this variant (Variation ID: 51706). An algorithm developed to predict the effect of missense changes on protein structure and function (PolyPhen-2) suggests that this variant is likely to be tolerated. Studies have shown that this missense change alters mRNA splicing and is expected to lead to the loss of protein expression (PMID: 20215541; internal data). For these reasons, this variant has been classified as Pathogenic.

Quest Diagnostics Nichols Institute San Juan Capistrano
Classification: Uncertain significance. Last evaluated: 2025-10-30. Review status: criteria provided, single submitter. Criteria: Quest Diagnostics criteria. Collection method: clinical testing. Allele origin: unknown.
Comment: The BRCA2 c.473C>T (p.Ser158Leu) variant has been reported in the published literature in individuals with breast cancer (PMID: 25186627 (2015), 11698567 (2001)). This variant was reported as being uncertain in a multifactorial likelihood study (PMID: 31131967 (2019)). Functional studies demonstrated that this variant had an inconclusive effect on protein function, therefore additional studies are needed to determine the global effect of this variant on protein function (PMID: 39902189 (2025), 27060066 (2016), 20215541 (2010)). This variant has not been reported in large, multi-ethnic general populations (Genome Aggregation Database). Analysis of this variant using bioinformatics tools for the prediction of the effect of amino acid changes on protein structure and function yielded predictions that this variant is benign. Based on the available information, we are unable to determine the clinical significance of this variant.

Ambry Genetics
Classification: Likely pathogenic for Hereditary cancer-predisposing syndrome. Last evaluated: 2025-08-01. Review status: criteria provided, single submitter. Criteria: Ambry Variant Classification Scheme 2023. Collection method: clinical testing. Allele origin: germline.
Comment: The p.S158L variant (also known as c.473C>T), located in coding exon 4 of the BRCA2 gene, results from a C to T substitution at nucleotide position 473. The serine at codon 158 is replaced by leucine, an amino acid with dissimilar properties. One study reports that this alteration was detected in a cohort of 176 women who underwent prophylactic bilateral mastectomies due to family history of breast cancer (Hartmann LC et al. J. Natl. Cancer Inst. 2001 Nov;93:1633-7). This variant is considered to be rare based on population cohorts in the Genome Aggregation Database (gnomAD). This nucleotide position is well conserved in available vertebrate species. In silico splice site analysis predicts that this alteration may weaken the native splice donor site. RNA studies have demonstrated that this alteration results in abnormal splicing in the set of samples tested (Ambry internal data; Sanz DJ et al. Clin Cancer Res, 2010 Mar;16:1957-67). Based on the majority of available evidence to date, this variant is likely to be pathogenic.

ARUP Laboratories, Molecular Genetics and Genomics, ARUP Laboratories
Classification: Uncertain significance. Last evaluated: 2025-03-28. Review status: criteria provided, single submitter. Criteria: ARUP Molecular Germline Variant Investigation Process 2024. Collection method: clinical testing. Allele origin: germline.
Comment: The BRCA2 c.473C>T; p.Ser158Leu variant (rs80358701, ClinVar Variation ID: 51706) is reported in the literature in a cohort with a family history of breast cancer (Hartmann 2001). This variant is absent from the Genome Aggregation Database (v2.1.1), indicating it is not a common polymorphism. Computational analyses (Alamut Visual Plus v.1.12) predict that this variant may impact splicing by weakening the nearby canonical donor splice site. A minigene assay showed this variant caused skipping of exon 5 (Sanz 2010); however, another study of mRNA isoforms found exon 5 skipping may be naturally occurring (Fackenthal 2016). Due to limited information, the clinical significance of this variant is uncertain at this time. References: Fackenthal JD et al. Naturally occurring BRCA2 alternative mRNA splicing events in clinically relevant samples. J Med Genet. 2016 Aug;53(8):548-58. PMID: 27060066. Hartmann LC et al. Efficacy of bilateral prophylactic mastectomy in BRCA1 and BRCA2 gene mutation carriers. J Natl Cancer Inst. 2001 Nov 7;93(21):1633-7. PMID: 11698567. Sanz DJ et al. A high proportion of DNA variants of BRCA1 and BRCA2 is associated with aberrant splicing

Baylor Genetics
Classification: Likely pathogenic for Familial cancer of breast. Last evaluated: 2023-08-25. Review status: criteria provided, single submitter. Criteria: ACMG Guidelines, 2015. Collection method: clinical testing. Allele origin: unknown.

Color Diagnostics, LLC DBA Color Health
Classification: Uncertain significance for Hereditary cancer-predisposing syndrome. Last evaluated: 2020-01-22. Review status: criteria provided, single submitter. Criteria: ACMG Guidelines, 2015. Collection method: clinical testing. Allele origin: germline.
Comment: This missense variant replaces serine with leucine at codon 158 of the BRCA2 protein. Computational prediction suggests that this variant may not impact protein structure and function (internally defined REVEL score threshold <= 0.5, PMID: 27666373). Splice site prediction tools are inconclusive regarding the impact of this variant on RNA splicing. A mini-gene assay has shown that the variant causes the skipping of exon 5, which is expected to create a frameshift and premature translation stop signal (PMID: 20215541). However, this observation has not been confirmed in other types of RNA assays. This variant has been reported in at least one individual a family history of breast cancer (PMID: 11698567). This variant has not been identified in the general population by the Genome Aggregation Database (gnomAD). The available evidence is insufficient to determine the role of this variant in disease conclusively. Therefore, this variant is classified as a Variant of Uncertain Significance.

Juno Genomics, Hangzhou Juno Genomics, Inc
Classification: Likely pathogenic for Breast-ovarian cancer, familial, susceptibility to, 2. Review status: criteria provided, single submitter. Criteria: ACMG Guidelines, 2015. Collection method: clinical testing. Allele origin: germline.
Comment: Absent from controls (or at extremely low frequency if recessive) in Genome Aggregation Database.;Null variant in a gene where loss of function (LOF) is a known mechanism of disease.;Patient's phenotype or family history is highly specific for a disease with a single genetic etiology.

Sharing Clinical Reports Project (SCRP)
Classification: Uncertain significance for Breast-ovarian cancer, familial 2. Last evaluated: 2012-05-01. Review status: no assertion criteria provided. Collection method: clinical testing. Allele origin: germline. Not counted in ClinVar's aggregate classification.

Breast Cancer Information Core (BIC) (BRCA2)
Classification: Uncertain significance for Breast-ovarian cancer, familial 2. Last evaluated: 2002-05-29. Review status: no assertion criteria provided. Collection method: clinical testing. Allele origin: germline. Affected: yes. Observed: 4 variant alleles. Not counted in ClinVar's aggregate classification.

Literature cited by the submitters: PubMed 11698567 (cited by 4 submitters); PubMed 20215541 (cited by 4 submitters); PubMed 25186627 (cited by Women's Health and Genetics/Laboratory Corporation of America, LabCorp and Quest Diagnostics Nichols Institute San Juan Capistrano); PubMed 39902189 (cited by Women's Health and Genetics/Laboratory Corporation of America, LabCorp and Quest Diagnostics Nichols Institute San Juan Capistrano); PubMed 32623769 (cited by Quest Diagnostics Nichols Institute San Juan Capistrano); PubMed 31853058 (cited by Quest Diagnostics Nichols Institute San Juan Capistrano); PubMed 31131967 (cited by Quest Diagnostics Nichols Institute San Juan Capistrano); PubMed 27060066 (cited by Quest Diagnostics Nichols Institute San Juan Capistrano and Ambry Genetics).